The following is an entry in ClinVar:

ClinVar aggregate classification (germline): Uncertain significance (1 of 4 stars; one submission).

gnomAD v4.1: 1 of 1,146,484 alleles (0.000087%); no homozygotes.

Submission:

Labcorp Genetics (formerly Invitae), Labcorp
Classification: Uncertain significance. Last evaluated: 2022-06-13. Review status: criteria provided, single submitter. Criteria: Invitae Variant Classification Sherloc (09022015). Collection method: clinical testing. Allele origin: germline.
Comment: In summary, the available evidence is currently insufficient to determine the role of this variant in disease. Therefore, it has been classified as a Variant of Uncertain Significance. Advanced modeling of protein sequence and biophysical properties (such as structural, functional, and spatial information, amino acid conservation, physicochemical variation, residue mobility, and thermodynamic stability) performed at Invitae indicates that this missense variant is not expected to disrupt GRIN2D protein function. This variant has not been reported in the literature in individuals affected with GRIN2D-related conditions. The frequency data for this variant in the population databases is considered unreliable, as metrics indicate insufficient coverage at this position in the gnomAD database. This sequence change replaces proline, which is neutral and non-polar, with serine, which is neutral and polar, at codon 929 of the GRIN2D protein (p.Pro929Ser).

NM_000836.4(GRIN2D):c.2785C>T (p.Pro929Ser)

Gene: GRIN2D (glutamate ionotropic receptor NMDA type subunit 2D; plus strand). Cytogenetic location: 19q13.33.
Variant type: single nucleotide variant.
Coding change: c.2785C>T on transcript NM_000836.4 (MANE Select); coding-DNA position 2785, C replaced by T.
Protein change: p.Pro929Ser; replaces proline 929 with serine.
Molecular consequence: missense variant.
Genome position (GRCh38, 1-based): chr19:48,442,711, C>T. VCF-style: chr19-48442711-C-T. GRCh37 (hg19) VCF-style: chr19-48945968-C-T.
Other names: short protein forms P929S.
Identifiers: ClinVar variation 2005358 (VCV002005358.4), dbSNP rs1600997460, ClinGen allele CA406673648.